The following is an entry in ClinVar:

NM_032217.5(ANKRD17):c.3619G>A (p.Ala1207Thr)

Gene: ANKRD17 (ankyrin repeat domain 17; minus strand). Cytogenetic location: 4q13.3.
Variant type: single nucleotide variant.
Coding change: c.3619G>A on transcript NM_032217.5 (MANE Select); coding-DNA position 3619, G replaced by A.
Protein change: p.Ala1207Thr; replaces alanine 1207 with threonine.
Molecular consequence: missense variant.
Genome position (GRCh38, 1-based): chr4:73,121,633, C>T on the plus strand (G>A on the coding strand, the complement: ANKRD17 is on the minus strand). VCF-style: chr4-73121633-C-T. GRCh37 (hg19) VCF-style: chr4-73987350-C-T.
Other names: c.3280G>A, p.Ala1094Thr (NM_001286771.3); c.3616G>A, p.Ala1206Thr (NM_015574.2); c.2866G>A, p.Ala956Thr (NM_198889.3); short protein forms A1094T, A1206T, A1207T, A956T.
Identifiers: ClinVar variation 3251733 (VCV003251733.1), dbSNP rs1726734582.

ClinVar aggregate classification (germline): Uncertain significance (1 of 4 stars; one submission).

Submission:

Women's Health and Genetics/Laboratory Corporation of America, LabCorp
Classification: Uncertain significance. Last evaluated: 2024-04-24. Review status: criteria provided, single submitter. Criteria: LabCorp Variant Classification Summary - May 2015. Collection method: clinical testing. Allele origin: germline.
Comment: Variant summary: ANKRD17 c.3619G>A (p.Ala1207Thr) results in a non-conservative amino acid change in the encoded protein sequence. Four of five in-silico tools predict a damaging effect of the variant on protein function. The variant was absent in 251036 control chromosomes. The available data on variant occurrences in the general population are insufficient to allow any conclusion about variant significance. To our knowledge, no occurrence of c.3619G>A in individuals affected with Chopra-Amiel Syndrome and no experimental evidence demonstrating its impact on protein function have been reported. No submitters have cited clinical-significance assessments for this variant to ClinVar. Based on the evidence outlined above, the variant was classified as uncertain significance.